The following is an entry in ClinVar:

NM_025103.4(IFT74):c.1685-612C>T

Gene: IFT74 (intraflagellar transport 74; plus strand). Cytogenetic location: 9p21.2.
Variant type: single nucleotide variant.
Coding change: c.1685-612C>T on transcript NM_025103.4 (MANE Select); 612 bases into the intron before coding-DNA position 1685, C replaced by T.
Molecular consequence: intron variant. On other transcripts: 3 prime UTR variant (1).
Genome position (GRCh38, 1-based): chr9:27,062,006, C>T. VCF-style: chr9-27062006-C-T. GRCh37 (hg19) VCF-style: chr9-27062004-C-T.
Other names: c.*9C>T (NM_001349928.2); c.1685-612C>T (NM_001099223.3, NM_001099222.3).
Identifiers: ClinVar variation 3348475 (VCV003348475.1).

ClinVar aggregate classification (germline): Likely benign (0 of 4 stars; one submission).

Conditions:
IFT74-related disorder. Also called: IFT74-related condition; IFT74-Related Disorders.

Submission:

PreventionGenetics, part of Exact Sciences
Classification: Likely benign for IFT74-related condition. Last evaluated: 2023-11-29. Review status: no assertion criteria provided. Collection method: clinical testing. Allele origin: germline.
Comment: This variant is classified as likely benign based on ACMG/AMP sequence variant interpretation guidelines (Richards et al. 2015 PMID: 25741868, with internal and published modifications).